The following is an entry in ClinVar:

ClinVar aggregate classification (germline): Uncertain significance (1 of 4 stars; one submission).

gnomAD v4.1: 18 of 1,550,280 alleles (0.0012%); highest among the groups gnomAD compares: Non-Finnish European, 0.0016%; no homozygotes.

Submission:

Labcorp Genetics (formerly Invitae), Labcorp
Classification: Uncertain significance. Last evaluated: 2022-05-13. Review status: criteria provided, single submitter. Criteria: Invitae Variant Classification Sherloc (09022015). Collection method: clinical testing. Allele origin: germline.
Comment: This sequence change replaces alanine, which is neutral and non-polar, with glycine, which is neutral and non-polar, at codon 1845 of the ZNF469 protein (p.Ala1845Gly). This variant is not present in population databases (gnomAD no frequency). This variant has not been reported in the literature in individuals affected with ZNF469-related conditions. Algorithms developed to predict the effect of missense changes on protein structure and function output the following: SIFT: "Tolerated"; PolyPhen-2: "Possibly Damaging"; Align-GVGD: "Class C0". The glycine amino acid residue is found in multiple mammalian species, which suggests that this missense change does not adversely affect protein function. In summary, the available evidence is currently insufficient to determine the role of this variant in disease. Therefore, it has been classified as a Variant of Uncertain Significance.

NM_001367624.2(ZNF469):c.5618C>G (p.Ala1873Gly)

Gene: ZNF469 (zinc finger protein 469; plus strand). Cytogenetic location: 16q24.2.
Variant type: single nucleotide variant.
Coding change: c.5618C>G on transcript NM_001367624.2 (MANE Select); coding-DNA position 5618, C replaced by G.
Protein change: p.Ala1873Gly; replaces alanine 1873 with glycine.
Molecular consequence: missense variant.
Genome position (GRCh38, 1-based): chr16:88,433,088, C>G. VCF-style: chr16-88433088-C-G. GRCh37 (hg19) VCF-style: chr16-88499496-C-G.
Other names: short protein forms A1873G.
Identifiers: ClinVar variation 1928533 (VCV001928533.2), dbSNP rs767834641, ClinGen allele CA397101665.